The following is an entry in ClinVar:

NM_001395002.1(MAP4K4):c.2639+1G>A

Genes: MAP4K4 (mitogen-activated protein kinase kinase kinase kinase 4; plus strand), LOC122817718 (Sharpr-MPRA regulatory region 3767; plus strand). Cytogenetic location: 2q11.2.
Variant type: single nucleotide variant.
Coding change: c.2639+1G>A on transcript NM_001395002.1 (MANE Select); the canonical splice donor site of the intron after coding-DNA position 2639, G replaced by A.
Molecular consequence: splice donor variant.
Genome position (GRCh38, 1-based): chr2:101,869,798, G>A. VCF-style: chr2-101869798-G-A. GRCh37 (hg19) VCF-style: chr2-102486260-G-A.
Other names: c.2639+1G>A (NM_001384506.1); c.2630+1G>A (NM_001384497.1); c.2408+1G>A (NM_001384486.1, NM_001384507.1); c.2399+1G>A (NM_001384481.1); c.2405+1G>A (NM_001384488.1); c.2396+1G>A (NM_001242559.2); c.2477+1G>A (NM_001384493.1, NM_001384485.1, NM_001384484.1); c.2474+1G>A (NM_001384476.1); and 31 more.
Identifiers: ClinVar variation 4624278 (VCV004624278.1).
Genomic context (GRCh38, chr2:101,869,798, plus strand): 5'-CGATGTGGAGCAGGAAGGGGCTGACGAGTCCACCTCAGGACCAGAGGACACCAGAGCAGC[G>A]TCAGTCCCCGGTCTCTTTTAGAGCGGATGAGAGTATTCTCTCAGAGCCTGCTTTCCACTG-3'

ClinVar aggregate classification (germline): Likely pathogenic (1 of 4 stars; one submission).

Conditions:
Inborn genetic diseases. Identifiers: MedGen C0950123, MeSH D030342.

gnomAD v4.1: 1 of 1,548,088 alleles (0.000065%); highest among the groups gnomAD compares: Non-Finnish European, 0.000087%; no homozygotes.

Submission:

Ambry Genetics
Classification: Likely pathogenic for Inborn genetic diseases. Last evaluated: 2025-10-21. Review status: criteria provided, single submitter. Criteria: Ambry Variant Classification Scheme 2023. Collection method: clinical testing. Allele origin: germline.
Comment: The c.2306+1G>A intronic variant consists of a G to A substitution one nucleotide after exon 20 (coding exon 20) of the MAP4K4 gene. Alterations that disrupt the canonical splice site are expected to cause aberrant splicing, resulting in an abnormal protein or a transcript that is subject to nonsense-mediated mRNA decay. This variant was not reported in population-based cohorts in the Genome Aggregation Database (gnomAD). This nucleotide position is highly conserved in available vertebrate species. In silico splice site analysis predicts that this alteration will weaken the native splice donor site. Based on the available evidence, this alteration is classified as likely pathogenic.